The following is an entry in ClinVar:

NM_004727.3(SLC24A1):c.1090G>C (p.Val364Leu)

Gene: SLC24A1 (solute carrier family 24 member 1; plus strand). Cytogenetic location: 15q22.31.
Variant type: single nucleotide variant.
Coding change: c.1090G>C on transcript NM_004727.3 (MANE Select); coding-DNA position 1090, G replaced by C.
Protein change: p.Val364Leu; replaces valine 364 with leucine.
Molecular consequence: missense variant.
Genome position (GRCh38, 1-based): chr15:65,625,170, G>C. VCF-style: chr15-65625170-G-C. GRCh37 (hg19) VCF-style: chr15-65917508-G-C.
Other names: c.1090G>C, p.Val364Leu (NM_001301031.1, NM_001301032.1, NM_001301033.2); c.1090G>C (NM_004727.2); short protein forms V364L.
Identifiers: ClinVar variation 1052768 (VCV001052768.11), dbSNP rs553194871, ClinGen allele CA7619842.
Genomic context (GRCh38, chr15:65,625,170, plus strand): 5'-AGTCTTAGGAATCCTTCACCCAGGACCAGTGTATCAGCCATCAAAACAGCCCCAGCCATA[G>C]TCTGGAGGCTGGCAAAGAAACCTTCCACAGCACCCAGCACCTCAACAACCCCTACGGTCA-3'
Protein context (NP_004718.1, residues 354-374): VSAIKTAPAI[Val364Leu]WRLAKKPSTA

ClinVar aggregate classification (germline): Uncertain significance. Review status: criteria provided, multiple submitters, no conflicts (2 of 4 stars). 2 submissions from 2 submitters: Uncertain significance (2). Last evaluated 2026-03-10.

Conditions:
SLC24A1-related disorder. Also called: SLC24A1-related condition.

Allele frequency attached by ClinVar (database versions not stated): TOPMed below 0.00001; gnomAD 0.00003; gnomAD exomes 0.00004; ExAC 0.00008; 1000 Genomes Project 0.00020; 1000 Genomes Project 30x 0.00047.
gnomAD v4.1: 30 of 1,613,938 alleles (0.0019%); highest among the groups gnomAD compares: South Asian, 0.027%; no homozygotes.

Submissions (2):

PreventionGenetics, part of Exact Sciences
Classification: Uncertain significance for SLC24A1-related condition. Last evaluated: 2026-03-10. Review status: criteria provided, single submitter. Criteria: ACMG Guidelines, 2015. Collection method: clinical testing. Allele origin: germline.
Comment: The SLC24A1 c.1090G>C variant is predicted to result in the amino acid substitution p.Val364Leu. To our knowledge, this variant has not been reported in the literature. This variant is reported in 0.029% of alleles in individuals of South Asian descent in gnomAD. At this time, the clinical significance of this variant is uncertain due to the absence of conclusive functional and genetic evidence.

Labcorp Genetics (formerly Invitae), Labcorp
Classification: Uncertain significance. Last evaluated: 2023-08-10. Review status: criteria provided, single submitter. Criteria: Invitae Variant Classification Sherloc (09022015). Collection method: clinical testing. Allele origin: germline.
Comment: In summary, the available evidence is currently insufficient to determine the role of this variant in disease. Therefore, it has been classified as a Variant of Uncertain Significance. Algorithms developed to predict the effect of missense changes on protein structure and function output the following: SIFT: "Not Available"; PolyPhen-2: "Benign"; Align-GVGD: "Not Available". The leucine amino acid residue is found in multiple mammalian species, which suggests that this missense change does not adversely affect protein function. ClinVar contains an entry for this variant (Variation ID: 1052768). This variant has not been reported in the literature in individuals affected with SLC24A1-related conditions. This variant is present in population databases (rs553194871, gnomAD 0.03%). This sequence change replaces valine, which is neutral and non-polar, with leucine, which is neutral and non-polar, at codon 364 of the SLC24A1 protein (p.Val364Leu).